The following is an entry in ClinVar:

NM_001367624.2(ZNF469):c.8276G>A (p.Arg2759Lys)

Gene: ZNF469 (zinc finger protein 469; plus strand). Cytogenetic location: 16q24.2.
Variant type: single nucleotide variant.
Coding change: c.8276G>A on transcript NM_001367624.2 (MANE Select); coding-DNA position 8276, G replaced by A.
Protein change: p.Arg2759Lys; replaces arginine 2759 with lysine.
Molecular consequence: missense variant.
Genome position (GRCh38, 1-based): chr16:88,435,746, G>A. VCF-style: chr16-88435746-G-A. GRCh37 (hg19) VCF-style: chr16-88502154-G-A.
Other names: NM_001127464.1:c.8192G>A; short protein forms R2759K.
Identifiers: ClinVar variation 4867002 (VCV004867002.1).

ClinVar aggregate classification (germline): Uncertain significance (1 of 4 stars; one submission).

Conditions:
Cardiovascular phenotype. Identifiers: MedGen CN230736.

gnomAD v4.1: 2 of 1,550,744 alleles (0.00013%); highest among the groups gnomAD compares: African/African-American, 0.0014%; no homozygotes.

Submission:

Ambry Genetics
Classification: Uncertain significance for Cardiovascular phenotype. Last evaluated: 2026-04-23. Review status: criteria provided, single submitter. Criteria: Ambry Variant Classification Scheme 2023. Collection method: clinical testing. Allele origin: germline.
Comment: The p.R2731K variant (also known as c.8192G>A), located in coding exon 2 of the ZNF469 gene, results from a G to A substitution at nucleotide position 8192. The arginine at codon 2731 is replaced by lysine, an amino acid with highly similar properties. This amino acid position is conserved. In addition, this alteration is predicted to be tolerated by in silico analysis. Based on the available evidence, the clinical significance of this variant remains unclear.